The following is an entry in ClinVar:

NM_001105206.3(LAMA4):c.966+135A>G

Gene: LAMA4 (laminin subunit alpha 4; minus strand). Cytogenetic location: 6q21.
Variant type: single nucleotide variant.
Coding change: c.966+135A>G on transcript NM_001105206.3 (MANE Select); 135 bases into the intron after coding-DNA position 966, A replaced by G.
Molecular consequence: intron variant.
Genome position (GRCh38, 1-based): chr6:112,187,315, T>C on the plus strand (A>G on the coding strand, the complement: LAMA4 is on the minus strand). VCF-style: chr6-112187315-T-C. GRCh37 (hg19) VCF-style: chr6-112508517-T-C.
Other names: c.945+135A>G (NM_002290.5, NM_001105207.3).
Identifiers: ClinVar variation 675363 (VCV000675363.1), dbSNP rs6938421, ClinGen allele CA3965964.
Genomic context (GRCh38, chr6:112,187,315, plus strand): 5'-CCAAGCTCATAGTTACAATCAACTTTTCATAATTTCCTATGAAATTACTTATGTTTTCTA[T>C]GTTAGACCTACAGGTCTAACAACCTGTAATACAGGTATGAGACTCAGATACAAAAAGGGG-3'

ClinVar aggregate classification (germline): Benign (1 of 4 stars; one submission).

Allele frequency attached by ClinVar (database versions not stated): gnomAD exomes 0.00361 and 0.00762; ExAC 0.02459; 1000 Genomes Project 0.03155; gnomAD 0.03165 and 0.03399; TOPMed 0.03566; 1000 Genomes Project 30x 0.03670.
gnomAD v4.1: 7,975 of 987,876 alleles (0.81%); highest among the groups gnomAD compares: African/African-American, 11%; 365 homozygotes.

Submission:

GeneDx
Classification: Benign. Last evaluated: 2018-06-19. Review status: criteria provided, single submitter. Criteria: GeneDx Variant Classification (06012015). Collection method: clinical testing. Allele origin: germline. Affected: yes.
Comment: This variant is considered likely benign or benign based on one or more of the following criteria: it is a conservative change, it occurs at a poorly conserved position in the protein, it is predicted to be benign by multiple in silico algorithms, and/or has population frequency not consistent with disease.